The following is an entry in ClinVar:

ClinVar aggregate classification (germline): Uncertain significance (1 of 4 stars; one submission).

Submission:

GeneDx
Classification: Uncertain significance. Last evaluated: 2024-01-09. Review status: criteria provided, single submitter. Criteria: GeneDx Variant Classification Process June 2021. Collection method: clinical testing. Allele origin: germline. Affected: yes.
Comment: Not observed at significant frequency in large population cohorts (gnomAD); In silico analysis supports that this missense variant has a deleterious effect on protein structure/function; Has not been previously published as pathogenic or benign to our knowledge

NM_004187.5(KDM5C):c.3004C>T (p.Leu1002Phe)

Gene: KDM5C (lysine demethylase 5C; minus strand). Cytogenetic location: Xp11.22.
Variant type: single nucleotide variant.
Coding change: c.3004C>T on transcript NM_004187.5 (MANE Select); coding-DNA position 3004, C replaced by T.
Protein change: p.Leu1002Phe; replaces leucine 1002 with phenylalanine.
Molecular consequence: missense variant. On other transcripts: non-coding transcript variant (3).
Genome position (GRCh38, 1-based): chrX:53,196,032, G>A on the plus strand (C>T on the coding strand, the complement: KDM5C is on the minus strand). VCF-style: chrX-53196032-G-A. GRCh37 (hg19) VCF-style: chrX-53225214-G-A.
Other names: c.2803C>T, p.Leu935Phe (NM_001146702.2); c.3001C>T, p.Leu1001Phe (NM_001282622.3, NM_001353979.2, NM_001353982.2); c.3004C>T, p.Leu1002Phe (NM_001353978.3, NM_001353981.2, NM_001353984.2); short protein forms L1001F, L1002F, L935F.
Identifiers: ClinVar variation 3367664 (VCV003367664.1).